The following is an entry in ClinVar:

NM_001048174.2(MUTYH):c.364dup (p.Thr122fs)

Gene: MUTYH (mutY DNA glycosylase; minus strand). Cytogenetic location: 1p34.1.
Variant type: Duplication.
Coding change: c.364dup on transcript NM_001048174.2 (MANE Select); coding-DNA position 364, one base duplicated (A; older notation c.364dupA).
Protein change: p.Thr122fs; shifts the reading frame from threonine 122.
Molecular consequence: frameshift variant. On other transcripts: non-coding transcript variant (1), intron variant (2).
Genome position (GRCh38, 1-based): chr1:45,333,111, T duplicated on the plus strand (A on the coding strand, the reverse complement: MUTYH is on the minus strand). VCF-style (leftmost placement, unchanged base first): chr1-45333110-G-GT. GRCh37 (hg19) VCF-style: chr1-45798782-G-GT.
Other names: c.364dup, p.Thr122fs (NM_001048171.2, NM_001048173.2, NM_001293195.2); c.367dup, p.Thr123fs (NM_001048172.2); c.448dup, p.Thr150fs (NM_001128425.2); c.409dup, p.Thr137fs (NM_001293190.2); c.397dup, p.Thr133fs (NM_001293191.2); c.88dup, p.Thr30fs (NM_001293192.2, NM_001293196.2); c.439dup, p.Thr147fs (NM_012222.3); c.34-152dup (NM_001350651.2, NM_001350650.2); short protein forms T122fs, T123fs, T133fs, T137fs, T147fs, T150fs, T30fs.
Identifiers: ClinVar variation 1692575 (VCV001692575.4), dbSNP rs2149164805, ClinGen allele CA2573132097.
Genomic context (GRCh38, chr1:45,333,110, plus strand): 5'-CATCTGGGGTCTGACCCATGACCCTTCCCTTCCTCCCCTGGAGTCACCTGCATCCATCCG[G>GT]TATAGTAGTTGATCACAGTGGCAACCTGGGTCTGCTGCAGCATGACCTCTGAGACCCACA-3'

ClinVar aggregate classification (germline): Pathogenic/Likely pathogenic. Review status: criteria provided, multiple submitters, no conflicts (2 of 4 stars). 2 submissions from 2 submitters: Pathogenic (1); Likely pathogenic (1). Last evaluated 2023-09-27.

Conditions:
Hereditary cancer-predisposing syndrome. Also called: Hereditary neoplastic syndrome; Hereditary Cancer Syndrome; Tumor predisposition; Neoplastic Syndromes, Hereditary. Identifiers: Orphanet 140162, MedGen C0027672, MeSH D009386, MONDO:0015356.
Familial adenomatous polyposis 2. Also called: ADENOMAS, MULTIPLE COLORECTAL, AUTOSOMAL RECESSIVE; MUTYH Polyposis; MUTYH-related attenuated familial adenomatous polyposis; Adenomas, multiple colorectal; MUTYH-associated polyposis; COLORECTAL ADENOMATOUS POLYPOSIS, AUTOSOMAL RECESSIVE. Identifiers: Orphanet 220460, Orphanet 247798, MedGen C3272841, MONDO:0012041, OMIM 608456.

Submissions (2):

Labcorp Genetics (formerly Invitae), Labcorp
Classification: Pathogenic for Familial adenomatous polyposis 2. Last evaluated: 2023-09-27. Review status: criteria provided, single submitter. Criteria: Invitae Variant Classification Sherloc (09022015). Collection method: clinical testing. Allele origin: germline.
Comment: This sequence change creates a premature translational stop signal (p.Thr150Asnfs*103) in the MUTYH gene. It is expected to result in an absent or disrupted protein product. Loss-of-function variants in MUTYH are known to be pathogenic (PMID: 18534194, 20663686). This variant is not present in population databases (gnomAD no frequency). This variant has not been reported in the literature in individuals affected with MUTYH-related conditions. ClinVar contains an entry for this variant (Variation ID: 1692575). For these reasons, this variant has been classified as Pathogenic.

Sema4
Classification: Likely pathogenic for Hereditary cancer-predisposing syndrome. Last evaluated: 2021-12-05. Review status: criteria provided, single submitter. Criteria: Sema4 Curation Guidelines. Collection method: curation. Allele origin: germline.
Comment: To the best of our knowledge, the MUTYH c.448dupA (p.T150NfsX103) variant has not been reported in individuals with MUTYH-related disease. This variant causes a frameshift at amino acid 150 that results in premature termination 103 amino acids downstream. At this location, this is predicted to cause nonsense-mediated decay and result in an absent protein (loss of function). This variant is not reported in the population database Genome Aggregation Database (PMID: 32461654). This variant has not been reported in ClinVar. Based on the current evidence available, this variant is interpreted as likely pathogenic.

Literature cited by the submitters: PubMed 18534194 (cited by Labcorp Genetics (formerly Invitae), Labcorp); PubMed 20663686 (cited by Labcorp Genetics (formerly Invitae), Labcorp).